The following is an entry in ClinVar:

ClinVar aggregate classification (germline): Benign/Likely benign. Review status: criteria provided, multiple submitters, no conflicts (2 of 4 stars). 3 submissions from 3 submitters: Benign (1); Likely benign (2). Last evaluated 2026-09-22.

Conditions:
VCAN-related disorder. Also called: VCAN-related condition.

Allele frequency attached by ClinVar (database versions not stated): TOPMed 0.00001; gnomAD 0.00006; ExAC 0.00040; 1000 Genomes Project 0.00060; 1000 Genomes Project 30x 0.00062.
gnomAD v4.1: 217 of 1,614,072 alleles (0.013%); highest among the groups gnomAD compares: South Asian, 0.22%; 1 homozygote.

Submissions (3):

PreventionGenetics, part of Exact Sciences
Classification: Likely benign for VCAN-related condition. Last evaluated: 2026-09-22. Review status: criteria provided, single submitter. Criteria: ACMG Guidelines, 2015. Collection method: clinical testing. Allele origin: germline.
Comment: This variant is classified as likely benign based on ACMG/AMP sequence variant interpretation guidelines (Richards et al. 2015 PMID: 25741868, with internal and published modifications).

Labcorp Genetics (formerly Invitae), Labcorp
Classification: Benign. Last evaluated: 2026-01-04. Review status: criteria provided, single submitter. Criteria: Invitae Variant Classification Sherloc (09022015). Collection method: clinical testing. Allele origin: germline.

Blueprint Genetics
Classification: Likely benign. Last evaluated: 2024-09-06. Review status: criteria provided, single submitter. Criteria: ACMG Guidelines, 2015. Collection method: clinical testing. Allele origin: germline.

NM_004385.5(VCAN):c.7329C>T (p.His2443=)

Genes: VCAN (versican; plus strand), VCAN-AS1 (VCAN antisense RNA 1; minus strand). Cytogenetic location: 5q14.3.
Variant type: single nucleotide variant.
Coding change: c.7329C>T on transcript NM_004385.5 (MANE Select); coding-DNA position 7329, C replaced by T.
Protein change: p.His2443=; no amino-acid change (histidine 2443 retained).
Molecular consequence: synonymous variant. On other transcripts: intron variant (2).
Genome position (GRCh38, 1-based): chr5:83,540,332, C>T. VCF-style: chr5-83540332-C-T. GRCh37 (hg19) VCF-style: chr5-82836151-C-T.
Other names: c.4368C>T, p.His1456= (NM_001164097.2); c.4004-5205C>T (NM_001164098.2); c.1043-5205C>T (NM_001126336.3); c.7329C>T (NM_004385.4).
Identifiers: ClinVar variation 2046238 (VCV002046238.6), dbSNP rs192091495, ClinGen allele CA3333613.